The following is an entry in ClinVar:

ClinVar aggregate classification (germline): Likely pathogenic (1 of 4 stars; one submission).

Conditions:
MPI-congenital disorder of glycosylation. Also called: MANNOSEPHOSPHATE ISOMERASE DEFICIENCY; MPI DEFICIENCY; PROTEIN-LOSING ENTEROPATHY-HEPATIC FIBROSIS SYNDROME; MPI-CDG; CONGENITAL DISORDER OF GLYCOSYLATION, TYPE Ib; CDG Ib. Identifiers: Orphanet 79319, MedGen C1865145, MONDO:0011257, OMIM 602579.

Submission:

Labcorp Genetics (formerly Invitae), Labcorp
Classification: Likely pathogenic for MPI-congenital disorder of glycosylation. Last evaluated: 2022-06-20. Review status: criteria provided, single submitter. Criteria: Invitae Variant Classification Sherloc (09022015). Collection method: clinical testing. Allele origin: germline.
Comment: This variant is a gross deletion of the genomic region encompassing exon(s) 6-8 of the MPI gene, which includes the termination codon. This deletion extends beyond the assayed region for this gene and therefore may encompass additional genes. While this deletion is not anticipated to lead to nonsense mediated decay, it is expected to alter mRNA translation or result in a truncated protein product. This variant has not been reported in the literature in individuals affected with MPI-related conditions. This variant disrupts the p.Ile398 amino acid residue in MPI. Other variant(s) that disrupt this residue have been determined to be pathogenic (PMID: 10484808, 30545931). This suggests that this residue is clinically significant, and that variants that disrupt this residue are likely to be disease-causing. In summary, the currently available evidence indicates that the variant is pathogenic, but additional data are needed to prove that conclusively. Therefore, this variant has been classified as Likely Pathogenic.

Literature cited by the submitters: PubMed 10484808; PubMed 30545931.

NC_000015.9:g.(?_75188483)_(75190081_?)del

Gene: MPI (mannose phosphate isomerase; plus strand). Cytogenetic location: 15q24.1.
Variant type: Deletion.
Identifiers: ClinVar variation 1066970 (VCV001066970.7).